The following is an entry in ClinVar:

ClinVar aggregate classification (germline): Uncertain significance (1 of 4 stars; one submission).

Conditions:
Cognitive impairment - coarse facies - heart defects - obesity - pulmonary involvement - short stature - skeletal dysplasia syndrome. Also called: COGNITIVE IMPAIRMENT, COARSE FACIES, HEART DEFECTS, OBESITY, PULMONARY INVOLVEMENT, SHORT STATURE, AND SKELETAL DYSPLASIA; Chops syndrome; AFF4-Related CHOPS Syndrome. Identifiers: Orphanet 444077, MedGen C4085597, MONDO:0014609, OMIM 616368.

Allele frequency attached by ClinVar (database versions not stated): gnomAD 0.00001; ExAC 0.00007; gnomAD exomes 0.00002.
gnomAD v4.1: 27 of 1,611,430 alleles (0.0017%); highest among the groups gnomAD compares: South Asian, 0.029%; no homozygotes.

Submission:

Labcorp Genetics (formerly Invitae), Labcorp
Classification: Uncertain significance for Cognitive impairment - coarse facies - heart defects - obesity - pulmonary involvement - short stature - skeletal dysplasia syndrome. Last evaluated: 2024-02-23. Review status: criteria provided, single submitter. Criteria: Invitae Variant Classification Sherloc (09022015). Collection method: clinical testing. Allele origin: germline.
Comment: This sequence change replaces lysine, which is basic and polar, with glutamic acid, which is acidic and polar, at codon 350 of the AFF4 protein (p.Lys350Glu). This variant is present in population databases (rs766606217, gnomAD 0.04%). This variant has not been reported in the literature in individuals affected with AFF4-related conditions. ClinVar contains an entry for this variant (Variation ID: 2151199). An algorithm developed to predict the effect of missense changes on protein structure and function (PolyPhen-2) suggests that this variant is likely to be disruptive. In summary, the available evidence is currently insufficient to determine the role of this variant in disease. Therefore, it has been classified as a Variant of Uncertain Significance.

NM_014423.4(AFF4):c.1048A>G (p.Lys350Glu)

Gene: AFF4 (ALF transcription elongation factor 4; minus strand). Cytogenetic location: 5q31.1.
Variant type: single nucleotide variant.
Coding change: c.1048A>G on transcript NM_014423.4 (MANE Select); coding-DNA position 1048, A replaced by G.
Protein change: p.Lys350Glu; replaces lysine 350 with glutamic acid.
Molecular consequence: missense variant.
Genome position (GRCh38, 1-based): chr5:132,927,123, T>C on the plus strand (A>G on the coding strand, the complement: AFF4 is on the minus strand). VCF-style: chr5-132927123-T-C. GRCh37 (hg19) VCF-style: chr5-132262815-T-C.
Other names: short protein forms K350E.
Identifiers: ClinVar variation 2151199 (VCV002151199.4), dbSNP rs766606217, ClinGen allele CA3409287.
Genomic context (GRCh38, chr5:132,927,123, plus strand): 5'-TTTAGTCAAGCCATTTAGAGTTTTCTTACATTATGAAAGATACATTTTATTTACTTACCT[T>C]AGTTGGAAAAGGAAATTTGGAAGGTTCTGTTTTGCATGGTGTATGAATAGCCGTTAGAGG-3'
Protein context (NP_055238.1, residues 340-360): TEPSKFPFPT[Lys350Glu]ESQQSNFGTG